The following is an entry in ClinVar:

NM_000548.5(TSC2):c.3284+4A>G

Gene: TSC2 (TSC complex subunit 2; plus strand). Cytogenetic location: 16p13.3.
Variant type: single nucleotide variant.
Coding change: c.3284+4A>G on transcript NM_000548.5 (MANE Select); 4 bases into the intron after coding-DNA position 3284, A replaced by G.
Molecular consequence: intron variant.
Genome position (GRCh38, 1-based): chr16:2,079,432, A>G. VCF-style: chr16-2079432-A-G. GRCh37 (hg19) VCF-style: chr16-2129433-A-G.
Other names: c.1811+4A>G (NM_001406693.1, NM_001406690.1, NM_001406692.1 and 1 more transcripts); c.3245+4A>G (NM_001406667.1); c.3242+4A>G (NM_001406668.1); c.2684+4A>G (NM_001406680.1, NM_001406683.1, NM_001406682.1); c.2552+4A>G (NM_001406687.1, NM_001318831.2, NM_001406688.1); c.1940+4A>G (NM_001406689.1); c.1808+4A>G (NM_001406691.1, NM_001406697.1, NM_001406695.1 and 1 more transcripts); c.1550+4A>G (NM_001406698.1); and 18 more.
Identifiers: ClinVar variation 3462525 (VCV003462525.3).
Genomic context (GRCh38, chr16:2,079,432, plus strand): 5'-GACCCGGTCGTTACTAGGCCTGGACTCGGGGGAGCTGCAGTCCGGCCCGGAGTCGAGGTG[A>G]CTGCACCTTCCTTTCCTCCGCGCCTGCCAGCCTCGACACCGGCTGTCCCGAGCCCAGGCC-3'

ClinVar aggregate classification (germline): Uncertain significance. Review status: criteria provided, multiple submitters, no conflicts (2 of 4 stars). 2 submissions from 2 submitters: Uncertain significance (2). Last evaluated 2024-09-27.

Conditions:
Tuberous sclerosis 2 (TSC2). Identifiers: Orphanet 805, MedGen C1860707, MONDO:0013199, OMIM 613254.
Hereditary cancer-predisposing syndrome. Also called: Hereditary Cancer Syndrome; Hereditary neoplastic syndrome; Neoplastic Syndromes, Hereditary; Tumor predisposition. Identifiers: Orphanet 140162, MedGen C0027672, MeSH D009386, MONDO:0015356.

Submissions (2):

Ambry Genetics
Classification: Uncertain significance for Hereditary cancer-predisposing syndrome. Last evaluated: 2024-09-27. Review status: criteria provided, single submitter. Criteria: Ambry Variant Classification Scheme 2023. Collection method: clinical testing. Allele origin: germline.
Comment: The c.3284+4A>G intronic variant results from an A to G substitution 4 nucleotides after coding exon 27 in the TSC2 gene. This nucleotide position is not well conserved in available vertebrate species. In silico splice site analysis predicts that this alteration will weaken the native splice donor site. Based on the available evidence, the clinical significance of this variant remains unclear.

Labcorp Genetics (formerly Invitae), Labcorp
Classification: Uncertain significance for Tuberous sclerosis 2. Last evaluated: 2024-02-17. Review status: criteria provided, single submitter. Criteria: Invitae Variant Classification Sherloc (09022015). Collection method: clinical testing. Allele origin: germline.
Comment: This sequence change falls in intron 28 of the TSC2 gene. It does not directly change the encoded amino acid sequence of the TSC2 protein. It affects a nucleotide within the consensus splice site. This variant is not present in population databases (gnomAD no frequency). This variant has not been reported in the literature in individuals affected with TSC2-related conditions. Variants that disrupt the consensus splice site are a relatively common cause of aberrant splicing (PMID: 17576681, 9536098). Algorithms developed to predict the effect of sequence changes on RNA splicing suggest that this variant may disrupt the consensus splice site. In summary, the available evidence is currently insufficient to determine the role of this variant in disease. Therefore, it has been classified as a Variant of Uncertain Significance.

Literature cited by the submitters: PubMed 17576681 (cited by Labcorp Genetics (formerly Invitae), Labcorp); PubMed 9536098 (cited by Labcorp Genetics (formerly Invitae), Labcorp).